The following is an entry in ClinVar:

NM_000217.3(KCNA1):c.1062G>A (p.Ser354=)

Gene: KCNA1 (potassium voltage-gated channel subfamily A member 1; plus strand). Cytogenetic location: 12p13.32.
Variant type: single nucleotide variant.
Coding change: c.1062G>A on transcript NM_000217.3 (MANE Select); coding-DNA position 1062, G replaced by A.
Protein change: p.Ser354=; no amino-acid change (serine 354 retained).
Molecular consequence: synonymous variant.
Genome position (GRCh38, 1-based): chr12:4,912,440, G>A. VCF-style: chr12-4912440-G-A. GRCh37 (hg19) VCF-style: chr12-5021606-G-A.
Identifiers: ClinVar variation 2842948 (VCV002842948.24), dbSNP rs779989266, ClinGen allele CA231856122.

ClinVar aggregate classification (germline): Likely benign. Review status: criteria provided, multiple submitters, no conflicts (2 of 4 stars). 2 submissions from 2 submitters: Likely benign (2). Last evaluated 2024-03-01.

Conditions:
Episodic ataxia type 1 (EA1). Also called: ATAXIA, EPISODIC, WITH MYOKYMIA; MYOKYMIA WITH PERIODIC ATAXIA; PAROXYSMAL ATAXIA WITH NEUROMYOTONIA, HEREDITARY; Episodic ataxia/myokymia syndrome. Identifiers: Orphanet 37612, Orphanet 972, MedGen C1719788, MONDO:0008047, OMIM 160120.

Submissions (2):

CeGaT Center for Human Genetics Tuebingen
Classification: Likely benign. Last evaluated: 2024-03-01. Review status: criteria provided, single submitter. Criteria: CeGaT Center For Human Genetics Tuebingen Variant Classification Criteria Version 2. Collection method: clinical testing. Allele origin: germline. Affected: yes. Observed: 1 variant allele.
Comment: KCNA1: PM2:Supporting, BP4, BP7

Labcorp Genetics (formerly Invitae), Labcorp
Classification: Likely benign for Episodic ataxia type 1. Last evaluated: 2023-03-04. Review status: criteria provided, single submitter. Criteria: Invitae Variant Classification Sherloc (09022015). Collection method: clinical testing. Allele origin: germline.